The following is an entry in ClinVar:

ClinVar aggregate classification (germline): Pathogenic (1 of 4 stars; one submission).

Conditions:
Joubert syndrome. Also called: CEREBELLOPARENCHYMAL DISORDER IV; JOUBERT-BOLTSHAUSER SYNDROME; Familial aplasia of the vermis. Identifiers: Orphanet 475, MedGen C5979921, MONDO:0018772.
Orofaciodigital syndrome I (OFD1). Also called: OFDS I; Papillon-Leage and Psaume Syndrome; Oral-Facial-Digital Syndrome Type I. Identifiers: Orphanet 2750, MedGen C1510460, MONDO:0010702, OMIM 311200.

Submission:

Labcorp Genetics (formerly Invitae), Labcorp
Classification: Pathogenic for Orofaciodigital syndrome I; Joubert syndrome. Last evaluated: 2021-08-12. Review status: criteria provided, single submitter. Criteria: Invitae Variant Classification Sherloc (09022015). Collection method: clinical testing. Allele origin: germline.
Comment: A gross deletion of the genomic region encompassing the full coding sequence of the OFD1 gene has been identified. Loss-of-function variants in OFD1 are known to be pathogenic (PMID: 16783569, 18546297, 27081566). The boundaries of this event are unknown as they extend beyond the assayed region for this gene and therefore may encompass additional genes. A similar copy number variant has been observed in individual(s) with orofaciodigital syndrome (PMID: 23033313). For these reasons, this variant has been classified as Pathogenic.

Literature cited by the submitters: PubMed 16783569; PubMed 18546297; PubMed 27081566; PubMed 23033313.

NC_000023.10:g.(?_13753081)_(13765093_?)del

Gene: OFD1 (OFD1 centriole and centriolar satellite protein; plus strand). Cytogenetic location: Xp22.2.
Variant type: Deletion.
Identifiers: ClinVar variation 1423762 (VCV001423762.7).